The following is an entry in ClinVar:

NM_000038.6(APC):c.381_384delinsAAAG (p.Ser127_Arg128delinsArgLys)

Gene: APC (APC regulator of Wnt signaling pathway; plus strand). Cytogenetic location: 5q22.2.
Variant type: Indel.
Coding change: c.381_384delinsAAAG on transcript NM_000038.6 (MANE Select); coding-DNA positions 381 to 384, CAGA replaced by AAAG.
Protein change: p.Ser127_Arg128delinsArgLys.
Molecular consequence: missense variant. On other transcripts: 5 prime UTR variant (1).
Genome position (GRCh38, 1-based): chr5:112,767,349-112,767,352, CAGA replaced by AAAG. VCF-style: chr5-112767349-CAGA-AAAG. GRCh37 (hg19) VCF-style: chr5-112103046-CAGA-AAAG.
Other names: c.381_384delinsAAAG, p.Ser127_Arg128delinsArgLys (NM_001127510.3, NM_001354895.2, NM_001354896.2 and 2 more transcripts); c.411_414delinsAAAG, p.Ser137_Arg138delinsArgLys (NM_001127511.3, NM_001354897.2, NM_001354902.2); c.306_309delinsAAAG, p.Ser102_Arg103delinsArgLys (NM_001354898.2, NM_001354904.2); c.204_207delinsAAAG, p.Ser68_Arg69delinsArgLys (NM_001354900.2, NM_001354901.2, NM_001354905.2); c.-655_-652delinsAAAG (NM_001354906.2); c.411_414delCAGAinsAAAG, p.Ser137_Arg138delinsArgLys (NM_001407446.1); c.381_384delCAGAinsAAAG, p.Ser127_Arg128delinsArgLys (NM_001407447.1, NM_001407448.1, NM_001407449.1 and 11 more transcripts); c.306_309delCAGAinsAAAG, p.Ser102_Arg103delinsArgLys (NM_001407451.1); and 2 more.
Identifiers: ClinVar variation 1735148 (VCV001735148.2), dbSNP rs2532300758, ClinGen allele CA2580072396.

ClinVar aggregate classification (germline): Uncertain significance (1 of 4 stars; one submission).

Conditions:
Hereditary cancer-predisposing syndrome. Also called: Neoplastic Syndromes, Hereditary; Tumor predisposition; Hereditary Cancer Syndrome; Hereditary neoplastic syndrome. Identifiers: Orphanet 140162, MedGen C0027672, MeSH D009386, MONDO:0015356.

Submission:

Ambry Genetics
Classification: Uncertain significance for Hereditary cancer-predisposing syndrome. Last evaluated: 2022-08-18. Review status: criteria provided, single submitter. Criteria: Ambry Variant Classification Scheme 2023. Collection method: clinical testing. Allele origin: germline.
Comment: The c.381_384delCAGAinsAAAG variant (also known as p.S127_R128delinsRK), located in coding exon 3 of the APC gene, results from an in-frame deletion of CAGA and insertion of AAAG at nucleotide positions 381 to 384. This results in the substitution of the serine and arginine residues for arginine and lysine residues at codons 127 and 128. This amino acid region is highly conserved in available vertebrate species. Since supporting evidence is limited at this time, the clinical significance of this alteration remains unclear.